The following is an entry in ClinVar:

ClinVar aggregate classification (germline): Uncertain significance (1 of 4 stars; one submission).

Conditions:
SETBP1-related disorder. Also called: SETBP1-related condition; SETBP1-related disorders.

Submission:

PreventionGenetics, part of Exact Sciences
Classification: Uncertain significance for SETBP1-related condition. Last evaluated: 2023-01-11. Review status: criteria provided, single submitter. Criteria: ACMG Guidelines, 2015. Collection method: clinical testing. Allele origin: germline.
Comment: The SETBP1 c.4703C>A variant is predicted to result in the amino acid substitution p.Pro1568His. To our knowledge, this variant has not been reported in the literature or in a large population database, indicating this variant is rare. At this time, the clinical significance of this variant is uncertain due to the absence of conclusive functional and genetic evidence.

NM_015559.3(SETBP1):c.4703C>A (p.Pro1568His)

Gene: SETBP1 (SET binding protein 1; plus strand). Cytogenetic location: 18q12.3.
Variant type: single nucleotide variant.
Coding change: c.4703C>A on transcript NM_015559.3 (MANE Select); coding-DNA position 4703, C replaced by A.
Protein change: p.Pro1568His; replaces proline 1568 with histidine.
Molecular consequence: missense variant.
Genome position (GRCh38, 1-based): chr18:45,063,610, C>A. VCF-style: chr18-45063610-C-A. GRCh37 (hg19) VCF-style: chr18-42643575-C-A.
Other names: c.4703C>A, p.Pro1568His (NM_001379141.1, NM_001379142.1); c.4532C>A, p.Pro1511His (NM_001410862.1); short protein forms P1511H, P1568H.
Identifiers: ClinVar variation 2629674 (VCV002629674.1), dbSNP rs2511371121, ClinGen allele CA402483966.